The following is an entry in ClinVar:

NM_174936.4(PCSK9):c.141C>T (p.Ser47=)

Gene: PCSK9 (proprotein convertase subtilisin/kexin type 9; plus strand). Cytogenetic location: 1p32.3.
Variant type: single nucleotide variant.
Coding change: c.141C>T on transcript NM_174936.4 (MANE Select); coding-DNA position 141, C replaced by T.
Protein change: p.Ser47=; no amino-acid change (serine 47 retained).
Molecular consequence: synonymous variant.
Genome position (GRCh38, 1-based): chr1:55,039,978, C>T. VCF-style: chr1-55039978-C-T. GRCh37 (hg19) VCF-style: chr1-55505651-C-T.
Other names: p.Ser47=.
Identifiers: ClinVar variation 262902 (VCV000262902.64), dbSNP rs28385701, ClinGen allele CA036874.

ClinVar aggregate classification (germline): Conflicting classifications of pathogenicity. Review status: criteria provided, conflicting classifications (1 of 4 stars). 19 submissions from 18 submitters: Uncertain significance (2); Benign (13); Likely benign (2). 2 of the submissions do not count toward it. Last evaluated 2026-09-01.

Conditions:
Cardiovascular phenotype. Identifiers: MedGen CN230736.
Hypobetalipoproteinemia. Identifiers: Orphanet 31154, MedGen C0020597, MONDO:0017774.
Familial hypercholesterolemia. Also called: Familial hypercholesterolaemia; Familial hypercholesterolemias. Identifiers: MedGen C0020445, MONDO:0005439.
Hypercholesterolemia, familial, 1. Also called: LDL RECEPTOR DISORDER; Hyperlipoproteinemia Type IIa; HYPER-LOW-DENSITY-LIPOPROTEINEMIA; HYPERCHOLESTEROLEMIC XANTHOMATOSIS, FAMILIAL; Fredrickson type IIa hyperlipoproteinemia; Hyperlipoproteinemia type 2. Identifiers: Orphanet 391665, MedGen C0745103, MONDO:0007750, OMIM 143890.
Hypercholesterolemia, autosomal dominant, 3 (FHCL3). Also called: Familial hypercholesterolemia 3; Familial Hypercholesterolemia, Autosomal Dominant, 3; PCSK9-Related Familial Hypercholesterolemia, Autosomal Dominant. Identifiers: MedGen C1863551, MONDO:0011369, OMIM 603776.

Allele frequency attached by ClinVar (database versions not stated): 1000 Genomes Project 0.00399; 1000 Genomes Project 30x 0.00422; ESP Exome Variant Server 0.00681; gnomAD 0.00815 and 0.00824; TOPMed 0.00818; gnomAD exomes 0.01004; ExAC 0.02071.
gnomAD v4.1: 14,508 of 1,580,712 alleles (0.92%); highest among the groups gnomAD compares: Middle Eastern, 3.3%; 108 homozygotes.

Submissions (19):

CeGaT Center for Human Genetics Tuebingen
Classification: Benign. Last evaluated: 2026-09-01. Review status: criteria provided, single submitter. Criteria: CeGaT Center For Human Genetics Tuebingen Variant Classification Criteria Version 2. Collection method: clinical testing. Allele origin: germline. Affected: yes. Observed: 125 variant alleles.
Comment: PCSK9: BP4, BP7, BS1, BS2

Labcorp Genetics (formerly Invitae), Labcorp
Classification: Benign for Hypercholesterolemia, autosomal dominant, 3. Last evaluated: 2026-02-04. Review status: criteria provided, single submitter. Criteria: Invitae Variant Classification Sherloc (09022015). Collection method: clinical testing. Allele origin: germline.

ARUP Laboratories, Molecular Genetics and Genomics, ARUP Laboratories
Classification: Benign. Last evaluated: 2025-07-25. Review status: criteria provided, single submitter. Criteria: ARUP Molecular Germline Variant Investigation Process 2024. Collection method: clinical testing. Allele origin: germline.

Molecular Diagnostic Laboratory for Inherited Cardiovascular Disease, Montreal Heart Institute
Classification: Benign. Last evaluated: 2025-04-09. Review status: criteria provided, single submitter. Criteria: ACMG Guidelines, 2015. Collection method: clinical testing. Allele origin: germline. Affected: no.

All of Us Research Program, National Institutes of Health
Classification: Benign for Hypercholesterolemia, autosomal dominant, 3. Last evaluated: 2024-09-27. Review status: criteria provided, single submitter. Criteria: ACMG Guidelines, 2015. Collection method: clinical testing. Allele origin: germline. Inheritance: Autosomal dominant inheritance. Observed: 2,829 variant alleles, 2,809 heterozygotes, 20 homozygotes.
Comment: This study involves interpretation of variants in research participants for the purpose of population health screening. Participant phenotype was not available at the time of variant classification. Additional details can be found in publication PMID: 35346344, PMCID: PMC8962531

GENinCode PLC
Classification: Benign for Familial hypercholesterolemia. Last evaluated: 2022-07-01. Review status: criteria provided, single submitter. Criteria: ACMG Guidelines, 2015. Collection method: clinical testing. Allele origin: germline.

Quest Diagnostics Nichols Institute San Juan Capistrano
Classification: Benign. Last evaluated: 2022-06-01. Review status: criteria provided, single submitter. Criteria: Quest Diagnostics criteria. Collection method: clinical testing. Allele origin: unknown.

Mayo Clinic Laboratories, Mayo Clinic
Classification: Benign. Last evaluated: 2018-09-26. Review status: criteria provided, single submitter. Criteria: ACMG Guidelines, 2015. Collection method: clinical testing. Allele origin: germline. Observed: 19 variant alleles.

Illumina Laboratory Services, Illumina
Classification: Benign for Hypobetalipoproteinemia. Last evaluated: 2018-01-13. Review status: criteria provided, single submitter. Criteria: ICSL Variant Classification Criteria 13 December 2019. Collection method: clinical testing. Allele origin: germline.
Comment: This variant was observed in the ICSL laboratory as part of a predisposition screen in an ostensibly healthy population. It had not been previously curated by ICSL or reported in the Human Gene Mutation Database (HGMD: prior to June 1st, 2018), and was therefore a candidate for classification through an automated scoring system. Utilizing variant allele frequency, disease prevalence and penetrance estimates, and inheritance mode, an automated score was calculated to assess if this variant is too frequent to cause the disease. Based on the score and internal cut-off values, a variant classified as benign is not then subjected to further curation. The score for this variant resulted in a classification of benign for this disease.

Illumina Laboratory Services, Illumina
Classification: Likely benign for Hypercholesterolemia, autosomal dominant, 3. Last evaluated: 2018-01-13. Review status: criteria provided, single submitter. Criteria: ICSL Variant Classification Criteria 13 December 2019. Collection method: clinical testing. Allele origin: germline.
Comment: This variant was observed in the ICSL laboratory as part of a predisposition screen in an ostensibly healthy population. It had not been previously curated by ICSL or reported in the Human Gene Mutation Database (HGMD: prior to June 1st, 2018), and was therefore a candidate for classification through an automated scoring system. Utilizing variant allele frequency, disease prevalence and penetrance estimates, and inheritance mode, an automated score was calculated to assess if this variant is too frequent to cause the disease. Based on the score and internal cut-off values, a variant classified as likely benign is not then subjected to further curation. The score for this variant resulted in a classification of likely benign for this disease.

Robarts Research Institute, Western University
Classification: Benign for Hypercholesterolemia, familial, 1. Last evaluated: 2018-01-02. Review status: criteria provided, single submitter. Criteria: ACMG Guidelines, 2015. Collection method: clinical testing. Allele origin: germline. Inheritance: Autosomal dominant inheritance. Affected: yes.

Color Diagnostics, LLC DBA Color Health
Classification: Benign for Familial hypercholesterolemia. Last evaluated: 2017-06-02. Review status: criteria provided, single submitter. Criteria: ACMG Guidelines, 2015. Collection method: clinical testing. Allele origin: germline.

GeneDx
Classification: Benign. Last evaluated: 2017-05-31. Review status: criteria provided, single submitter. Criteria: GeneDx Variant Classification (06012015). Collection method: clinical testing. Allele origin: germline. Affected: yes.
Comment: This variant is considered likely benign or benign based on one or more of the following criteria: it is a conservative change, it occurs at a poorly conserved position in the protein, it is predicted to be benign by multiple in silico algorithms, and/or has population frequency not consistent with disease.

Cardiovascular Research Group, Instituto Nacional de Saude Doutor Ricardo Jorge
Classification: Uncertain significance for Familial hypercholesterolemia. Last evaluated: 2016-03-01. Review status: criteria provided, single submitter. Criteria: ACMG Guidelines, 2015. Collection method: research. Allele origin: germline. Affected: yes.

Iberoamerican FH Network
Classification: Uncertain significance for Familial hypercholesterolemia. Last evaluated: 2016-03-01. Review status: criteria provided, single submitter. Criteria: ACMG Guidelines, 2015. Collection method: research. Allele origin: germline.
Comment: Variant present in the database from Chile

Ambry Genetics
Classification: Likely benign for Cardiovascular phenotype. Last evaluated: 2015-12-08. Review status: criteria provided, single submitter. Criteria: Ambry Variant Classification Scheme 2023. Collection method: clinical testing. Allele origin: germline.

PreventionGenetics, part of Exact Sciences
Classification: Benign. Review status: criteria provided, single submitter. Criteria: ACMG Guidelines, 2015. Collection method: clinical testing. Allele origin: germline.

Clinical Genetics, Academic Medical Center
Classification: Benign. Review status: no assertion criteria provided. Collection method: clinical testing. Allele origin: germline. Affected: yes. Study: VKGL Data-share Consensus. Not counted in ClinVar's aggregate classification.

Diagnostic Laboratory, Department of Genetics, University Medical Center Groningen
Classification: Benign for Hypercholesterolemia, autosomal dominant, 3. Review status: no assertion criteria provided. Collection method: clinical testing. Allele origin: germline. Affected: yes. Study: VKGL Data-share Consensus. Not counted in ClinVar's aggregate classification.

Literature cited by the submitters: PubMed 26688439 (cited by Quest Diagnostics Nichols Institute San Juan Capistrano); PubMed 22095935 (cited by Quest Diagnostics Nichols Institute San Juan Capistrano); PubMed 16314194 (cited by Quest Diagnostics Nichols Institute San Juan Capistrano).